The following is an entry in ClinVar:

NM_001379081.2(FREM1):c.546G>T (p.Leu182=)

Gene: FREM1 (FRAS1 related extracellular matrix 1; minus strand). Cytogenetic location: 9p22.3.
Variant type: single nucleotide variant.
Coding change: c.546G>T on transcript NM_001379081.2 (MANE Select); coding-DNA position 546, G replaced by T.
Protein change: p.Leu182=; no amino-acid change (leucine 182 retained).
Molecular consequence: synonymous variant. On other transcripts: non-coding transcript variant (4).
Genome position (GRCh38, 1-based): chr9:14,859,268, C>A on the plus strand (G>T on the coding strand, the complement: FREM1 is on the minus strand). VCF-style: chr9-14859268-C-A. GRCh37 (hg19) VCF-style: chr9-14859266-C-A.
Other names: c.546G>T, p.Leu182= (NM_001370060.1, NM_001370063.1, NM_001370065.1 and 1 more transcripts).
Identifiers: ClinVar variation 736327 (VCV000736327.12), dbSNP rs369937228, ClinGen allele CA4991540.

ClinVar aggregate classification (germline): Likely benign. Review status: criteria provided, multiple submitters, no conflicts (2 of 4 stars). 3 submissions from 3 submitters: Likely benign (2). 1 of the submissions does not count toward it. Last evaluated 2025-11-27.

Conditions:
FREM1-related disorder. Also called: FREM1-Related Disorders; FREM1-related condition.

Allele frequency attached by ClinVar (database versions not stated): gnomAD exomes 0.00002 and 0.00007; ExAC 0.00007; TOPMed 0.00013; gnomAD 0.00017 and 0.00019.

Submissions (3):

Labcorp Genetics (formerly Invitae), Labcorp
Classification: Likely benign. Last evaluated: 2025-11-27. Review status: criteria provided, single submitter. Criteria: Invitae Variant Classification Sherloc (09022015). Collection method: clinical testing. Allele origin: germline.

Blueprint Genetics
Classification: Likely benign. Last evaluated: 2024-11-25. Review status: criteria provided, single submitter. Criteria: ACMG Guidelines, 2015. Collection method: clinical testing. Allele origin: germline.

PreventionGenetics, part of Exact Sciences
Classification: Likely benign for FREM1-related condition. Last evaluated: 2020-10-07. Review status: no assertion criteria provided. Collection method: clinical testing. Allele origin: germline. Not counted in ClinVar's aggregate classification.
Comment: This variant is classified as likely benign based on ACMG/AMP sequence variant interpretation guidelines (Richards et al. 2015 PMID: 25741868, with internal and published modifications).